The following is an entry in ClinVar:

NM_004586.3(RPS6KA3):c.1212A>G (p.Val404=)

Gene: RPS6KA3 (ribosomal protein S6 kinase A3; minus strand). Cytogenetic location: Xp22.12.
Variant type: single nucleotide variant.
Coding change: c.1212A>G on transcript NM_004586.3 (MANE Select); coding-DNA position 1212, A replaced by G.
Protein change: p.Val404=; no amino-acid change (valine 404 retained).
Molecular consequence: synonymous variant.
Genome position (GRCh38, 1-based): chrX:20,175,179, T>C on the plus strand (A>G on the coding strand, the complement: RPS6KA3 is on the minus strand). VCF-style: chrX-20175179-T-C. GRCh37 (hg19) VCF-style: chrX-20193297-T-C.
Identifiers: ClinVar variation 767319 (VCV000767319.15), dbSNP rs773807871, ClinGen allele CA10366155.
Genomic context (GRCh38, chrX:20,175,179, plus strand): 5'-ATCTTACAACATTCCAAATCTAAAATTATTTAGACATCCACTCACCTGAACAATTGAATG[T>C]ACACCAACTGTCTGCATAGCTTGGCTTTCATCATCTGAGGTAATAGCAACAAAACTAAAC-3'
Protein context (NP_004577.1, residues 394-414): DESQAMQTVG[Val404=]HSIVQQLHRN

ClinVar aggregate classification (germline): Benign/Likely benign. Review status: criteria provided, multiple submitters, no conflicts (2 of 4 stars). 5 submissions from 5 submitters: Benign (2); Likely benign (2). 1 of the submissions does not count toward it. Last evaluated 2025-11-15.

Conditions:
RPS6KA3-related disorder. Also called: RPS6KA3-related condition.
Inborn genetic diseases. Identifiers: MedGen C0950123, MeSH D030342.
Coffin-Lowry syndrome (CLS). Also called: COFFIN-LOWRY SYNDROME, MILD; Mental retardation with osteocartilaginous abnormalities. Identifiers: Orphanet 192, MedGen C0265252, MONDO:0010561, OMIM 303600.
Intellectual developmental disorder, X-linked 19. Also called: Intellectual disability, X-linked 19. Identifiers: Orphanet 777, MedGen C0796225, MONDO:0010447, OMIM 300844.

Allele frequency attached by ClinVar (database versions not stated): gnomAD 0.00003; ExAC 0.00032; TOPMed 0.00014; gnomAD exomes 0.00033 and 0.00007.
gnomAD v4.1: 76 of 1,205,907 alleles (0.0063%); highest among the groups gnomAD compares: Admixed American, 0.16%; no homozygotes.

Submissions (5):

Labcorp Genetics (formerly Invitae), Labcorp
Classification: Benign for Coffin-Lowry syndrome; Intellectual developmental disorder, X-linked 19. Last evaluated: 2025-11-15. Review status: criteria provided, single submitter. Criteria: Invitae Variant Classification Sherloc (09022015). Collection method: clinical testing. Allele origin: germline.

Blueprint Genetics
Classification: Likely benign. Last evaluated: 2023-02-08. Review status: criteria provided, single submitter. Criteria: ACMG Guidelines, 2015. Collection method: clinical testing. Allele origin: germline.

GeneDx
Classification: Benign. Last evaluated: 2021-09-09. Review status: criteria provided, single submitter. Criteria: GeneDx Variant Classification Process June 2021. Collection method: clinical testing. Allele origin: germline. Affected: yes.

Ambry Genetics
Classification: Likely benign for Inborn genetic diseases. Last evaluated: 2019-09-19. Review status: criteria provided, single submitter. Criteria: Ambry Variant Classification Scheme 2023. Collection method: clinical testing. Allele origin: germline.

PreventionGenetics, part of Exact Sciences
Classification: Likely benign for RPS6KA3-related condition. Last evaluated: 2023-11-01. Review status: no assertion criteria provided. Collection method: clinical testing. Allele origin: germline. Not counted in ClinVar's aggregate classification.
Comment: This variant is classified as likely benign based on ACMG/AMP sequence variant interpretation guidelines (Richards et al. 2015 PMID: 25741868, with internal and published modifications).